The following is an entry in ClinVar:

NM_001364905.1(LRBA):c.3012A>G (p.Ala1004=)

Gene: LRBA (LPS responsive beige-like anchor protein; minus strand). Cytogenetic location: 4q31.3.
Variant type: single nucleotide variant.
Coding change: c.3012A>G on transcript NM_001364905.1 (MANE Select); coding-DNA position 3012, A replaced by G.
Protein change: p.Ala1004=; no amino-acid change (alanine 1004 retained).
Molecular consequence: synonymous variant.
Genome position (GRCh38, 1-based): chr4:150,852,698, T>C on the plus strand (A>G on the coding strand, the complement: LRBA is on the minus strand). VCF-style: chr4-150852698-T-C. GRCh37 (hg19) VCF-style: chr4-151773850-T-C.
Other names: c.3012A>G, p.Ala1004= (NM_001199282.3, NM_001367550.1, NM_006726.5).
Identifiers: ClinVar variation 724830 (VCV000724830.19), dbSNP rs371296941, ClinGen allele CA3103112.
Genomic context (GRCh38, chr4:150,852,698, plus strand): 5'-TTCTTGCTCAGCTTTCATTTCTTCATAAGATGTATTAGTAGTTTGCAGTTCAATATTAGA[T>C]GCAGATTCTAGTGAACTTGTCTTCTCTATACTTGAATTTTCATTACCATTTGTGGTGAAA-3'
Protein context (NP_001351834.1, residues 994-1014): SIEKTSSLES[Ala1004=]SNIELQTTNT

ClinVar aggregate classification (germline): Likely benign. Review status: criteria provided, multiple submitters, no conflicts (2 of 4 stars). 4 submissions from 4 submitters: Likely benign (3). 1 of the submissions does not count toward it. Last evaluated 2025-11-23.

Conditions:
LRBA-related disorder. Also called: LRBA-related condition.
Combined immunodeficiency due to LRBA deficiency. Also called: Common variable immunodeficiency 8, with autoimmunity. Identifiers: Orphanet 445018, MedGen C3553512, MONDO:0013863, OMIM 614700.

Allele frequency attached by ClinVar (database versions not stated): gnomAD 0.00005 and 0.00006; TOPMed 0.00005; gnomAD exomes 0.00006; ExAC 0.00007; ESP Exome Variant Server 0.00008.
gnomAD v4.1: 88 of 1,613,968 alleles (0.0055%); highest among the groups gnomAD compares: Non-Finnish European, 0.0074%; no homozygotes.

Submissions (4):

Labcorp Genetics (formerly Invitae), Labcorp
Classification: Likely benign for Combined immunodeficiency due to LRBA deficiency. Last evaluated: 2025-11-23. Review status: criteria provided, single submitter. Criteria: Invitae Variant Classification Sherloc (09022015). Collection method: clinical testing. Allele origin: germline.

CeGaT Center for Human Genetics Tuebingen
Classification: Likely benign. Last evaluated: 2025-08-01. Review status: criteria provided, single submitter. Criteria: CeGaT Center For Human Genetics Tuebingen Variant Classification Criteria Version 2. Collection method: clinical testing. Allele origin: germline. Affected: yes. Observed: 1 variant allele.
Comment: LRBA: BP4, BP7

Blueprint Genetics
Classification: Likely benign. Last evaluated: 2024-09-06. Review status: criteria provided, single submitter. Criteria: ACMG Guidelines, 2015. Collection method: clinical testing. Allele origin: germline.

PreventionGenetics, part of Exact Sciences
Classification: Likely benign for LRBA-related condition. Last evaluated: 2019-04-02. Review status: no assertion criteria provided. Collection method: clinical testing. Allele origin: germline. Not counted in ClinVar's aggregate classification.
Comment: This variant is classified as likely benign based on ACMG/AMP sequence variant interpretation guidelines (Richards et al. 2015 PMID: 25741868, with internal and published modifications).